The following is an entry in ClinVar:

NM_000059.4(BRCA2):c.8145del (p.Val2716fs)

Gene: BRCA2 (BRCA2 DNA repair associated; plus strand). Cytogenetic location: 13q13.1.
Variant type: Deletion.
Coding change: c.8145del on transcript NM_000059.4 (MANE Select); coding-DNA position 8145, one base deleted (A; older notation c.8145delA).
Protein change: p.Val2716fs; shifts the reading frame from valine 2716.
Molecular consequence: frameshift variant.
Genome position (GRCh38, 1-based): chr13:32,363,347, A deleted; the last of 5 consecutive A bases (chr13:32,363,343-32,363,347); deleting any one gives the same sequence. VCF-style (leftmost placement, unchanged base first): chr13-32363342-CA-C. GRCh37 (hg19) VCF-style: chr13-32937479-CA-C.
Other names: c.8145delA (NM_000059.3); short protein forms V2716fs.
Identifiers: ClinVar variation 431341 (VCV000431341.10), dbSNP rs1135401923, ClinGen allele CA645372930.

ClinVar aggregate classification (germline): Pathogenic. Review status: reviewed by expert panel (3 of 4 stars). 7 submissions from 7 submitters: Pathogenic (1). 6 of the submissions do not count toward it. Last evaluated 2017-12-15.

Conditions:
Breast-ovarian cancer, familial, susceptibility to, 2 (BROVCA2). Also called: BRCA2 Hereditary Breast and Ovarian Cancer. Identifiers: Orphanet 145, MedGen C2675520, MONDO:0012933, OMIM 612555. Disease mechanism: loss of function.
Hereditary breast ovarian cancer syndrome. Also called: BRCA1- and BRCA2-Associated Hereditary Breast and Ovarian Cancer; Hereditary breast and/or ovarian cancer syndrome; Hereditary breast and ovarian cancer; Hereditary breast and ovarian cancer syndrome; Hereditary breast and ovarian cancer syndrome (HBOC); Breast and ovarian cancer. Identifiers: Orphanet 145, MedGen C0677776, MeSH D061325, MONDO:0003582. Disease mechanism: loss of function.
Hereditary cancer-predisposing syndrome. Also called: Hereditary neoplastic syndrome; Tumor predisposition; Neoplastic Syndromes, Hereditary; Hereditary Cancer Syndrome. Identifiers: Orphanet 140162, MedGen C0027672, MeSH D009386, MONDO:0015356.

Submissions (7):

Evidence-based Network for the Interpretation of Germline Mutant Alleles (ENIGMA)
Classification: Pathogenic for Breast-ovarian cancer, familial, susceptibility to, 2. Last evaluated: 2017-12-15. Review status: reviewed by expert panel. Criteria: ENIGMA BRCA1/2 Classification Criteria (2017-06-29). Collection method: curation. Allele origin: germline. Study: ENIGMA.
Comment: Variant allele predicted to encode a truncated non-functional protein.

Molecular Diagnostics Laboratory, Catalan Institute of Oncology
Classification: Pathogenic for Hereditary cancer-predisposing syndrome. Last evaluated: 2025-02-04. Review status: criteria provided, single submitter. Criteria: ClinGen BRCA1BRCA2 ACMG Specifications BRCA2 V1.0.0. Collection method: clinical testing. Allele origin: germline. Not counted in ClinVar's aggregate classification.
Comment: PVS1, PM5_PTC_Strong c.8145del, located in exon 18 of the BRCA2 gene, consists in the deletion of one nucleotide, causing a translational frameshift with a predicted alternate stop codon, p.(Val2716Trpfs*17). This alteration is expected to result in loss of function by premature protein truncation and nonsense-mediated mRNA decay (PVS1, PM5_PTC_Strong). It is not present in the population database gnomAD v2.1.1, non cancer dataset. The SpliceAI algorithm predicts no effect on splicing. To our knowledge, neither relevant clinical data nor functional studies have been reported for this variant. In addition, it has been reported in ClinVar (3x as pathogenic, 2x likely pathogenic) and also classified as pathogenic reviewed by an expert panel (ENIGMA (15/12/2017):”Variant allele predicted to encode a truncated non-functional protein”)) but has not been identified in LOVD database. Based on currently available information, the variant c.8145del is classified as a pathogenic variant according to ClinGen-BRCA1 and BRCA2 Guidelines version 1.0.0.

Labcorp Genetics (formerly Invitae), Labcorp
Classification: Pathogenic for Hereditary breast ovarian cancer syndrome. Last evaluated: 2022-12-05. Review status: criteria provided, single submitter. Criteria: Invitae Variant Classification Sherloc (09022015). Collection method: clinical testing. Allele origin: germline. Not counted in ClinVar's aggregate classification.
Comment: For these reasons, this variant has been classified as Pathogenic. ClinVar contains an entry for this variant (Variation ID: 431341). This variant has not been reported in the literature in individuals affected with BRCA2-related conditions. This variant is not present in population databases (gnomAD no frequency). This sequence change creates a premature translational stop signal (p.Val2716Trpfs*17) in the BRCA2 gene. It is expected to result in an absent or disrupted protein product. Loss-of-function variants in BRCA2 are known to be pathogenic (PMID: 20104584).

Ambry Genetics
Classification: Pathogenic for Hereditary cancer-predisposing syndrome. Last evaluated: 2021-11-18. Review status: criteria provided, single submitter. Criteria: Ambry Variant Classification Scheme 2023. Collection method: clinical testing. Allele origin: germline. Not counted in ClinVar's aggregate classification.
Comment: The c.8145delA pathogenic mutation, located in coding exon 17 of the BRCA2 gene, results from a deletion of one nucleotide at nucleotide position 8145, causing a translational frameshift with a predicted alternate stop codon (p.V2716Wfs*17). This variant is considered to be rare based on population cohorts in the Genome Aggregation Database (gnomAD). This alteration is expected to result in loss of function by premature protein truncation or nonsense-mediated mRNA decay. As such, this alteration is interpreted as a disease-causing mutation.

Quest Diagnostics Nichols Institute San Juan Capistrano
Classification: Likely pathogenic. Last evaluated: 2021-07-14. Review status: criteria provided, single submitter. Criteria: Quest Diagnostics criteria. Collection method: clinical testing. Allele origin: unknown. Not counted in ClinVar's aggregate classification.
Comment: This frameshift variant is predicted to cause the premature termination of BRCA2 protein synthesis. To the best of our knowledge, the variant has not been reported in the published literature. Based on the available information, this variant is classified as likely pathogenic.

Counsyl
Classification: Likely pathogenic for Breast-ovarian cancer, familial, susceptibility to, 2. Last evaluated: 2016-12-12. Review status: no assertion criteria provided. Collection method: clinical testing. Allele origin: unknown. Not counted in ClinVar's aggregate classification.

Research Molecular Genetics Laboratory, Women's College Hospital, University of Toronto
Classification: Pathogenic for Hereditary breast ovarian cancer syndrome. Last evaluated: 2014-01-31. Review status: no assertion criteria provided. Collection method: research. Allele origin: germline. Affected: yes. Study: The Canadian Open Genetics Repository (COGR). Not counted in ClinVar's aggregate classification.

Literature cited by the submitters: PubMed 20104584 (cited by Labcorp Genetics (formerly Invitae), Labcorp).